The following is an entry in ClinVar:

ClinVar aggregate classification (germline): Uncertain significance (1 of 4 stars; one submission).

Conditions:
Charcot-Marie-Tooth disease type 2. Also called: Charcot-Marie-Tooth type 2. Identifiers: Orphanet 64746, MedGen C0270914, MONDO:0018993.

Submission:

Labcorp Genetics (formerly Invitae), Labcorp
Classification: Uncertain significance for Charcot-Marie-Tooth disease type 2. Last evaluated: 2026-01-19. Review status: criteria provided, single submitter. Criteria: Invitae Variant Classification Sherloc (09022015). Collection method: clinical testing. Allele origin: germline.
Comment: This sequence change falls in intron 15 of the GARS gene. It does not directly change the encoded amino acid sequence of the GARS protein. This variant is not present in population databases (gnomAD no frequency). This variant has not been reported in the literature in individuals affected with GARS-related conditions. ClinVar contains an entry for this variant (Variation ID: 3690909). Experimental studies and prediction algorithms are not available or were not evaluated, and the effect of this variant on mRNA splicing is currently unknown. In summary, the available evidence is currently insufficient to determine the role of this variant in disease. Therefore, it has been classified as a Variant of Uncertain Significance.

NM_002047.4(GARS1):c.1903+4_1903+67dup

Gene: GARS1 (glycyl-tRNA synthetase 1; plus strand). Cytogenetic location: 7p14.3.
Variant type: Duplication.
Coding change: c.1903+4_1903+67dup on transcript NM_002047.4 (MANE Select); bases 4 to 67 of the intron after coding-DNA position 1903, 64 bases duplicated.
Molecular consequence: splice donor variant.
Genome position (GRCh38, 1-based): chr7:30,631,545-30,631,608, 64 bases duplicated. GRCh37 (hg19): chr7:30,671,161-30,671,224.
Other names: c.1741+4_1741+67dup (NM_001316772.1).
Identifiers: ClinVar variation 3690909 (VCV003690909.2).